The following is an entry in ClinVar:

NM_000276.4(OCRL):c.2311_2315del (p.Cys771fs)

Gene: OCRL (OCRL inositol polyphosphate-5-phosphatase; plus strand). Cytogenetic location: Xq26.1.
Variant type: Deletion.
Coding change: c.2311_2315del on transcript NM_000276.4 (MANE Select); coding-DNA positions 2311 to 2315, 5 bases deleted (TGTCT; older notation c.2311_2315delTGTCT).
Protein change: p.Cys771fs; shifts the reading frame from cysteine 771.
Molecular consequence: frameshift variant.
Genome position (GRCh38, 1-based): chrX:129,588,233-129,588,237, TGTCT deleted; deleting any 5 consecutive bases within chrX:129,588,232-129,588,237 gives the same sequence; the c. name uses the placement nearest the transcript's 3' end. VCF-style (leftmost placement, unchanged base first): chrX-129588231-ATTGTC-A. GRCh37 (hg19) VCF-style: chrX-128722208-ATTGTC-A.
Other names: c.2314_2318del, p.Cys772fs (NM_001318784.2); c.2287_2291del, p.Cys763fs (NM_001587.4); short protein forms C763fs, C771fs, C772fs.
Identifiers: ClinVar variation 4886573 (VCV004886573.2).

ClinVar aggregate classification (germline): Likely pathogenic (1 of 4 stars; one submission).

Submission:

Dasa
Classification: Likely pathogenic. Last evaluated: 2026-03-13. Review status: criteria provided, single submitter. Criteria: DASA Assertion Criteria. Collection method: clinical testing. Allele origin: germline.
Comment: NM_000276.4(OCRL):c.2311_2315del (p.Cys771Glyfs*6) is a frameshift variant in OCRL predicted to alter the reading frame and introduce a premature termination codon and is predicted to result in an absent or altered protein product. Loss of function is an established disease mechanism for OCRL (PMID: 10923037; PMID: 21031565; PMID: 31674016). Also, this variant is rare in population databases. Based on the currently available evidence, this variant is classified as likely pathogenic.

Literature cited by the submitters: PubMed 10923037; PubMed 21031565; PubMed 31674016.